The following is an entry in ClinVar:

ClinVar aggregate classification (germline): Uncertain significance (1 of 4 stars; one submission).

Conditions:
Hypertrophic cardiomyopathy. Also called: HYPERTROPHIC MYOCARDIOPATHY. Identifiers: Orphanet 217569, MedGen C0007194, MeSH D002312, MONDO:0005045, HP:0001639.

Submission:

Labcorp Genetics (formerly Invitae), Labcorp
Classification: Uncertain significance for Hypertrophic cardiomyopathy. Last evaluated: 2023-05-25. Review status: criteria provided, single submitter. Criteria: Invitae Variant Classification Sherloc (09022015). Collection method: clinical testing. Allele origin: germline.
Comment: In summary, the available evidence is currently insufficient to determine the role of this variant in disease. Therefore, it has been classified as a Variant of Uncertain Significance. An algorithm developed to predict the effect of missense changes on protein structure and function (PolyPhen-2) suggests that this variant is likely to be disruptive. This variant has not been reported in the literature in individuals affected with MYBPC3-related conditions. This variant is not present in population databases (gnomAD no frequency). This sequence change replaces arginine, which is basic and polar, with proline, which is neutral and non-polar, at codon 726 of the MYBPC3 protein (p.Arg726Pro).

NM_000256.3(MYBPC3):c.2177G>C (p.Arg726Pro)

Gene: MYBPC3 (myosin binding protein C3; minus strand). Cytogenetic location: 11p11.2.
Variant type: single nucleotide variant.
Coding change: c.2177G>C on transcript NM_000256.3 (MANE Select); coding-DNA position 2177, G replaced by C.
Protein change: p.Arg726Pro; replaces arginine 726 with proline.
Molecular consequence: missense variant.
Genome position (GRCh38, 1-based): chr11:47,338,651, C>G on the plus strand (G>C on the coding strand, the complement: MYBPC3 is on the minus strand). VCF-style: chr11-47338651-C-G. GRCh37 (hg19) VCF-style: chr11-47360202-C-G.
Other names: short protein forms R726P.
Identifiers: ClinVar variation 2719863 (VCV002719863.3), dbSNP rs397515953, ClinGen allele CA380320563.